The following is an entry in ClinVar:

NM_004977.3(KCNC3):c.2197C>A (p.Gln733Lys)

Gene: KCNC3 (potassium voltage-gated channel subfamily C member 3; minus strand). Cytogenetic location: 19q13.33.
Variant type: single nucleotide variant.
Coding change: c.2197C>A on transcript NM_004977.3 (MANE Select); coding-DNA position 2197, C replaced by A.
Protein change: p.Gln733Lys; replaces glutamine 733 with lysine.
Molecular consequence: missense variant.
Genome position (GRCh38, 1-based): chr19:50,320,323, G>T on the plus strand (C>A on the coding strand, the complement: KCNC3 is on the minus strand). VCF-style: chr19-50320323-G-T. GRCh37 (hg19) VCF-style: chr19-50823580-G-T.
Other names: c.1969C>A, p.Gln657Lys (NM_001372305.1); short protein forms Q657K, Q733K.
Identifiers: ClinVar variation 3287524 (VCV003287524.3).

ClinVar aggregate classification (germline): Conflicting classifications of pathogenicity. Review status: criteria provided, conflicting classifications (1 of 4 stars). 3 submissions from 3 submitters: Uncertain significance (1); Likely benign (2). Last evaluated 2026-09-01.

Conditions:
Inborn genetic diseases. Identifiers: MedGen C0950123, MeSH D030342.

gnomAD v4.1: 89 of 476,336 alleles (0.019%); highest among the groups gnomAD compares: Middle Eastern, 0.1%; no homozygotes.

Submissions (3):

CeGaT Center for Human Genetics Tuebingen
Classification: Uncertain significance. Last evaluated: 2026-09-01. Review status: criteria provided, single submitter. Criteria: CeGaT Center For Human Genetics Tuebingen Variant Classification Criteria Version 2. Collection method: clinical testing. Allele origin: germline. Affected: yes. Observed: 1 variant allele.
Comment: KCNC3: PP3

Blueprint Genetics
Classification: Likely benign. Last evaluated: 2024-10-25. Review status: criteria provided, single submitter. Criteria: ACMG Guidelines, 2015. Collection method: clinical testing. Allele origin: germline.

Ambry Genetics
Classification: Likely benign for Inborn genetic diseases. Last evaluated: 2024-05-08. Review status: criteria provided, single submitter. Criteria: Ambry Variant Classification Scheme 2023. Collection method: clinical testing. Allele origin: germline.